The following is an entry in ClinVar:

ClinVar aggregate classification (germline): Conflicting classifications of pathogenicity. Review status: criteria provided, conflicting classifications (1 of 4 stars). 3 submissions from 3 submitters: Uncertain significance (2); Likely benign (1). Last evaluated 2024-11-20.

Conditions:
Inborn genetic diseases. Identifiers: MedGen C0950123, MeSH D030342.
IFT140-related disorder. Also called: IFT140-related condition.
Saldino-Mainzer syndrome (SRTD9). Also called: SHORT-RIB THORACIC DYSPLASIA 9 WITHOUT POLYDACTYLY; Renal dysplasia, retinal pigmentary dystrophy, cerebellar ataxia and skeletal dysplasia; CONORENAL SYNDROME; short-rib thoracic dysplasia 9 with or without polydactyly. Identifiers: Orphanet 140969, MedGen C1849437, MONDO:0009964, OMIM 266920.

Allele frequency attached by ClinVar (database versions not stated): ExAC 0.00001; gnomAD 0.00002; gnomAD exomes 0.00002; TOPMed 0.00002.
gnomAD v4.1: 24 of 1,611,428 alleles (0.0015%); highest among the groups gnomAD compares: East Asian, 0.0089%; no homozygotes.

Submissions (3):

PreventionGenetics, part of Exact Sciences
Classification: Uncertain significance for IFT140-related condition. Last evaluated: 2024-11-20. Review status: criteria provided, single submitter. Criteria: ACMG Guidelines, 2015. Collection method: clinical testing. Allele origin: germline.
Comment: The IFT140 c.4181C>T variant is predicted to result in the amino acid substitution p.Thr1394Met. To our knowledge, this variant has not been reported in the literature. This variant is reported in 0.010% of alleles in individuals of East Asian descent in gnomAD. Of note, the p.Thr1394 residue is weakly conserved during evolution and at this position is a methionine (Met) in multiple species including rat, mouse, dog and chicken. At this time, the clinical significance of this variant is uncertain due to the absence of conclusive functional and genetic evidence.

Ambry Genetics
Classification: Likely benign for Inborn genetic diseases. Last evaluated: 2024-02-26. Review status: criteria provided, single submitter. Criteria: Ambry Variant Classification Scheme 2023. Collection method: clinical testing. Allele origin: germline.

Labcorp Genetics (formerly Invitae), Labcorp
Classification: Uncertain significance for Saldino-Mainzer syndrome. Last evaluated: 2023-07-10. Review status: criteria provided, single submitter. Criteria: Invitae Variant Classification Sherloc (09022015). Collection method: clinical testing. Allele origin: germline.
Comment: In summary, the available evidence is currently insufficient to determine the role of this variant in disease. Therefore, it has been classified as a Variant of Uncertain Significance. Algorithms developed to predict the effect of missense changes on protein structure and function output the following: SIFT: "Not Available"; PolyPhen-2: "Benign"; Align-GVGD: "Not Available". The methionine amino acid residue is found in multiple mammalian species, which suggests that this missense change does not adversely affect protein function. ClinVar contains an entry for this variant (Variation ID: 1521653). This variant has not been reported in the literature in individuals affected with IFT140-related conditions. This variant is present in population databases (rs771765849, gnomAD 0.01%). This sequence change replaces threonine, which is neutral and polar, with methionine, which is neutral and non-polar, at codon 1394 of the IFT140 protein (p.Thr1394Met).

NM_014714.4(IFT140):c.4181C>T (p.Thr1394Met)

Gene: IFT140 (intraflagellar transport 140; minus strand). Cytogenetic location: 16p13.3.
Variant type: single nucleotide variant.
Coding change: c.4181C>T on transcript NM_014714.4 (MANE Select); coding-DNA position 4181, C replaced by T.
Protein change: p.Thr1394Met; replaces threonine 1394 with methionine.
Molecular consequence: missense variant.
Genome position (GRCh38, 1-based): chr16:1,518,217, G>A on the plus strand (C>T on the coding strand, the complement: IFT140 is on the minus strand). VCF-style: chr16-1518217-G-A. GRCh37 (hg19) VCF-style: chr16-1568218-G-A.
Other names: c.4181C>T (NM_014714.3); short protein forms T1394M.
Identifiers: ClinVar variation 1521653 (VCV001521653.10), dbSNP rs771765849, ClinGen allele CA7812885.